The following is an entry in ClinVar:

ClinVar aggregate classification (germline): Uncertain significance. Review status: criteria provided, multiple submitters, no conflicts (2 of 4 stars). 2 submissions from 2 submitters: Uncertain significance (2). Last evaluated 2024-01-09.

Conditions:
3-methylcrotonyl-CoA carboxylase 2 deficiency. Also called: 3 alpha methylcrotonyl-CoA carboxylase 2 deficiency; 3 alpha methylcrotonylglycinuria 2; MCC 2 deficiency; Methylcrotonylglycinuria type 2; METHYLCROTONYLGLYCINURIA, TYPE II. Identifiers: Orphanet 6, MedGen C1859499, MONDO:0008862, OMIM 210210.

Submissions (2):

Revvity Omics, Revvity
Classification: Uncertain significance for 3-methylcrotonyl-CoA carboxylase 2 deficiency. Last evaluated: 2024-01-09. Review status: criteria provided, single submitter. Criteria: ACMG Guidelines, 2015. Collection method: clinical testing. Allele origin: germline.

Labcorp Genetics (formerly Invitae), Labcorp
Classification: Uncertain significance for 3-methylcrotonyl-CoA carboxylase 2 deficiency. Last evaluated: 2023-07-17. Review status: criteria provided, single submitter. Criteria: Invitae Variant Classification Sherloc (09022015). Collection method: clinical testing. Allele origin: germline.
Comment: This variant is not present in population databases (gnomAD no frequency). This sequence change falls in intron 9 of the MCCC2 gene. It does not directly change the encoded amino acid sequence of the MCCC2 protein. It affects a nucleotide within the consensus splice site. This variant has not been reported in the literature in individuals affected with MCCC2-related conditions. In summary, the available evidence is currently insufficient to determine the role of this variant in disease. Therefore, it has been classified as a Variant of Uncertain Significance. Variants that disrupt the consensus splice site are a relatively common cause of aberrant splicing (PMID: 17576681, 9536098). Algorithms developed to predict the effect of sequence changes on RNA splicing suggest that this variant may disrupt the consensus splice site.

Literature cited by the submitters: PubMed 17576681 (cited by Labcorp Genetics (formerly Invitae), Labcorp); PubMed 9536098 (cited by Labcorp Genetics (formerly Invitae), Labcorp).

NM_022132.5(MCCC2):c.903+4A>T

Gene: MCCC2 (methylcrotonyl-CoA carboxylase subunit 2; plus strand). Cytogenetic location: 5q13.2.
Variant type: single nucleotide variant.
Coding change: c.903+4A>T on transcript NM_022132.5 (MANE Select); 4 bases into the intron after coding-DNA position 903, A replaced by T.
Molecular consequence: intron variant.
Genome position (GRCh38, 1-based): chr5:71,635,046, A>T. VCF-style: chr5-71635046-A-T. GRCh37 (hg19) VCF-style: chr5-70930873-A-T.
Other names: c.789+4A>T (NM_001363147.1).
Identifiers: ClinVar variation 2844438 (VCV002844438.4), dbSNP rs2530828619, ClinGen allele CA2739274764.